The following is an entry in ClinVar:

NM_001101426.4(CRPPA):c.184del (p.Val62fs)

Genes: CRPPA (CDP-L-ribitol pyrophosphorylase A; minus strand), LOC129998004 (ATAC-STARR-seq lymphoblastoid silent region 17981; plus strand). Cytogenetic location: 7p21.2.
Variant type: Deletion.
Coding change: c.184del on transcript NM_001101426.4 (MANE Select); coding-DNA position 184, one base deleted (G; older notation c.184delG).
Protein change: p.Val62fs; shifts the reading frame from valine 62.
Molecular consequence: frameshift variant. On other transcripts: non-coding transcript variant (1).
Genome position (GRCh38, 1-based): chr7:16,421,139, C deleted on the plus strand (G on the coding strand, the reverse complement: CRPPA is on the minus strand); the first of 5 consecutive C bases (chr7:16,421,139-16,421,143); deleting any one gives the same sequence. VCF-style (leftmost placement, unchanged base first): chr7-16421138-AC-A. GRCh37 (hg19) VCF-style: chr7-16460763-AC-A.
Other names: c.184del, p.Val62fs (NM_001101417.4, NM_001368197.1); short protein forms V62fs.
Identifiers: ClinVar variation 423167 (VCV000423167.56), dbSNP rs1048457038, ClinGen allele CA16618447.

ClinVar aggregate classification (germline): Pathogenic/Likely pathogenic. Review status: criteria provided, multiple submitters, no conflicts (2 of 4 stars). 6 submissions from 6 submitters: Pathogenic (3); Likely pathogenic (3). Last evaluated 2025-12-30.

Conditions:
Muscular dystrophy-dystroglycanopathy (congenital with brain and eye anomalies), type A, 7. Also called: WALKER-WARBURG SYNDROME OR MUSCLE-EYE-BRAIN DISEASE, ISPD-RELATED; Congenital muscular dystrophy-dystroglycanopathy with brain and eye anomalies, type A7. Identifiers: Orphanet 899, MedGen C3553330, MONDO:0013835, OMIM 614643.
Autosomal recessive limb-girdle muscular dystrophy type 2U. Also called: MUSCULAR DYSTROPHY, LIMB-GIRDLE, TYPE 2U; Muscular dystrophy-dystroglycanopathy (limb-girdle), type c, 7. Identifiers: Orphanet 352479, MedGen C5190987, MONDO:0014474, OMIM 616052.

Submissions (6):

Dasa
Classification: Pathogenic. Last evaluated: 2025-12-30. Review status: criteria provided, single submitter. Criteria: DASA Assertion Criteria. Collection method: clinical testing. Allele origin: germline.
Comment: NM_001101426.4(CRPPA):c.184del (p.Val62Serfs*29) introduces a premature termination codon predicted to result in loss of normal protein function. Loss-of-function is an established mechanism of disease for this gene. This variant has been reported in an affected individual with related phenotype in a genotype context consistent with recessive disease (PMID: 31395954). The variant is present at low frequency in population datasets. Based on the available data, this variant is classified as pathogenic.

Labcorp Genetics (formerly Invitae), Labcorp
Classification: Pathogenic for Muscular dystrophy-dystroglycanopathy (congenital with brain and eye anomalies), type A, 7; Autosomal recessive limb-girdle muscular dystrophy type 2U. Last evaluated: 2025-06-12. Review status: criteria provided, single submitter. Criteria: Invitae Variant Classification Sherloc (09022015). Collection method: clinical testing. Allele origin: germline.
Comment: This sequence change creates a premature translational stop signal (p.Val62Serfs*29) in the ISPD gene. It is expected to result in an absent or disrupted protein product. Loss-of-function variants in ISPD are known to be pathogenic (PMID: 23288328). The frequency data for this variant in the population databases is considered unreliable, as metrics indicate poor data quality at this position in the gnomAD database. This premature translational stop signal has been observed in individual(s) with ISPD-related conditions (PMID: 30564623, 31395954). ClinVar contains an entry for this variant (Variation ID: 423167). For these reasons, this variant has been classified as Pathogenic.

Revvity Omics, Revvity
Classification: Likely pathogenic. Last evaluated: 2022-12-16. Review status: criteria provided, single submitter. Criteria: ACMG Guidelines, 2015. Collection method: clinical testing. Allele origin: germline.

CeGaT Center for Human Genetics Tuebingen
Classification: Likely pathogenic. Last evaluated: 2019-06-01. Review status: criteria provided, single submitter. Criteria: CeGaT Center For Human Genetics Tuebingen Variant Classification Criteria Version 2. Collection method: clinical testing. Allele origin: germline. Affected: yes. Observed: 1 variant allele.

GeneDx
Classification: Likely pathogenic. Last evaluated: 2017-01-23. Review status: criteria provided, single submitter. Criteria: GeneDx Variant Classification (06012015). Collection method: clinical testing. Allele origin: germline. Affected: yes.
Comment: The c.184delG variant in the ISPD gene has not been reported previously as a pathogenic variant nor as a benign variant, to our knowledge. The c.184delG variant causes a frameshift starting with codon Valine 62, changes this amino acid to a Serine residue, and creates a premature Stop codon at position 29 of the new reading frame, denoted p.Val62SerfsX29. This variant is predicted to cause loss of normal protein function either through protein truncation or nonsense-mediated mRNA decay. Sufficient sequencing read depth from control individuals in the NHLBI Exome Sequencing Project and Exome Aggregation Consortium data sets was not available to assess whether the c.184delG variant may be a common benign variant in the general population; however, this variant has not been detected at any significant frequency in the internal database at GeneDx. We interpret c.184delG as a likely pathogenic variant.

Eurofins Ntd Llc (ga)
Classification: Pathogenic. Last evaluated: 2016-12-05. Review status: criteria provided, single submitter. Criteria: EGL Classification Definitions 2015. Collection method: clinical testing. Allele origin: germline. Observed: 1 variant allele, 1 heterozygote.

Literature cited by the submitters: PubMed 31395954 (cited by Dasa and Labcorp Genetics (formerly Invitae), Labcorp); PubMed 23288328 (cited by Labcorp Genetics (formerly Invitae), Labcorp); PubMed 30564623 (cited by Labcorp Genetics (formerly Invitae), Labcorp).